The following is an entry in ClinVar:

NM_001854.4(COL11A1):c.1629+5G>T

Gene: COL11A1 (collagen type XI alpha 1 chain; minus strand). Cytogenetic location: 1p21.1.
Variant type: single nucleotide variant.
Coding change: c.1629+5G>T on transcript NM_001854.4 (MANE Select); 5 bases into the intron after coding-DNA position 1629, G replaced by T.
Molecular consequence: intron variant.
Genome position (GRCh38, 1-based): chr1:103,012,408, C>A on the plus strand (G>T on the coding strand, the complement: COL11A1 is on the minus strand). VCF-style: chr1-103012408-C-A. GRCh37 (hg19) VCF-style: chr1-103477964-C-A.
Other names: c.1512+5G>T (NM_001190709.2); c.1665+5G>T (NM_080629.3); c.1281+5G>T (NM_080630.4).
Identifiers: ClinVar variation 5018098 (VCV005018098.1).

ClinVar aggregate classification (germline): Uncertain significance (1 of 4 stars; one submission).

gnomAD v4.1: 1 of 1,612,328 alleles (0.000062%); highest among the groups gnomAD compares: Non-Finnish European, 0.000085%; no homozygotes.

Submission:

GeneDx
Classification: Uncertain significance. Last evaluated: 2026-03-31. Review status: criteria provided, single submitter. Criteria: GeneDx Variant Classification Process June 2021. Collection method: clinical testing. Allele origin: germline.
Comment: Not observed at significant frequency in large population cohorts (gnomAD); Intronic +5 splice site variant in a gene for which loss of function is a known mechanism of disease, and both splice predictors and evolutionary conservation support a deleterious effect, although in the absence of functional evidence the actual effect of this sequence change is unknown.; Has not been previously published as pathogenic or benign to our knowledge